The following is an entry in ClinVar:

ClinVar aggregate classification (germline): Uncertain significance (1 of 4 stars; one submission).

Conditions:
Hereditary cancer-predisposing syndrome. Also called: Neoplastic Syndromes, Hereditary; Tumor predisposition; Hereditary Cancer Syndrome; Hereditary neoplastic syndrome. Identifiers: Orphanet 140162, MedGen C0027672, MeSH D009386, MONDO:0015356.
Cardiovascular phenotype. Identifiers: MedGen CN230736.

Submission:

Ambry Genetics
Classification: Uncertain significance for Cardiovascular phenotype; Hereditary cancer-predisposing syndrome. Last evaluated: 2025-03-18. Review status: criteria provided, single submitter. Criteria: Ambry Variant Classification Scheme 2023. Collection method: clinical testing. Allele origin: germline.
Comment: The p.G823R variant (also known as c.2467G>A), located in coding exon 21 of the NF1 gene, results from a G to A substitution at nucleotide position 2467. The glycine at codon 823 is replaced by arginine, an amino acid with dissimilar properties. This amino acid position is well conserved in available vertebrate species. In addition, this alteration is predicted to be tolerated by in silico analysis. Since supporting evidence is limited at this time, the clinical significance of this alteration remains unclear.

NM_001042492.3(NF1):c.2467G>A (p.Gly823Arg)

Gene: NF1 (neurofibromin 1; plus strand). Cytogenetic location: 17q11.2.
Variant type: single nucleotide variant.
Coding change: c.2467G>A on transcript NM_001042492.3 (MANE Select); coding-DNA position 2467, G replaced by A.
Protein change: p.Gly823Arg; replaces glycine 823 with arginine.
Molecular consequence: missense variant.
Genome position (GRCh38, 1-based): chr17:31,229,082, G>A. VCF-style: chr17-31229082-G-A. GRCh37 (hg19) VCF-style: chr17-29556100-G-A.
Other names: c.2467G>A, p.Gly823Arg (NM_000267.4); short protein forms G823R.
Identifiers: ClinVar variation 821326 (VCV000821326.5), dbSNP rs1597715196, ClinGen allele CA398983984.